The following is an entry in ClinVar:

NM_002547.3(OPHN1):c.999_1000del (p.Phe333fs)

Gene: OPHN1 (oligophrenin 1; minus strand). Cytogenetic location: Xq12.
Variant type: Deletion.
Coding change: c.999_1000del on transcript NM_002547.3 (MANE Select); coding-DNA positions 999 to 1000, 2 bases deleted (CT; older notation c.999_1000delCT).
Protein change: p.Phe333fs; shifts the reading frame from phenylalanine 333.
Molecular consequence: frameshift variant.
Genome position (GRCh38, 1-based): chrX:68,201,644-68,201,645, AG deleted on the plus strand (CT on the coding strand, the reverse complement: OPHN1 is on the minus strand); deleting any 2 consecutive bases within chrX:68,201,644-68,201,646 gives the same sequence; the c. name uses the placement nearest the transcript's 3' end. VCF-style (leftmost placement, unchanged base first): chrX-68201643-CAG-C. GRCh37 (hg19) VCF-style: chrX-67421485-CAG-C.
Other names: short protein forms F333fs.
Identifiers: ClinVar variation 817870 (VCV000817870.1), dbSNP rs1602231165, ClinGen allele CA915951133.

ClinVar aggregate classification (germline): Pathogenic (1 of 4 stars; one submission).

Submission:

GeneDx
Classification: Pathogenic. Last evaluated: 2018-10-22. Review status: criteria provided, single submitter. Criteria: GeneDx Variant Classification (06012015). Collection method: clinical testing. Allele origin: germline. Affected: yes.
Comment: The c.999_1000delCT variant in the OPHN1 gene has not been reported previously as a pathogenic variant nor as a benign variant, to our knowledge. The c.999_1000delCT variant causes a frameshift starting with codon Phenylalanine 333, changes this amino acid to a Leucine residue, and creates a premature Stop codon at position 3 of the new reading frame, denoted p.Phe333LeufsX3. This variant is predicted to cause loss of normal protein function either through protein truncation or nonsense-mediated mRNA decay. The c.999_1000delCT variant is not observed in large population cohorts (Lek et al., 2016). We interpret c.999_1000delCT as a pathogenic variant.